The following is an entry in ClinVar:

NM_004035.7(ACOX1):c.312G>C (p.Leu104Phe)

Gene: ACOX1 (acyl-CoA oxidase 1; minus strand). Cytogenetic location: 17q25.1.
Variant type: single nucleotide variant.
Coding change: c.312G>C on transcript NM_004035.7 (MANE Select); coding-DNA position 312, G replaced by C.
Protein change: p.Leu104Phe; replaces leucine 104 with phenylalanine.
Molecular consequence: missense variant. On other transcripts: intron variant (1).
Genome position (GRCh38, 1-based): chr17:75,960,333, C>G on the plus strand (G>C on the coding strand, the complement: ACOX1 is on the minus strand). VCF-style: chr17-75960333-C-G. GRCh37 (hg19) VCF-style: chr17-73956414-C-G.
Other names: c.312G>C (NM_004035.6); c.198G>C, p.Leu66Phe (NM_001185039.2); c.431-2767G>C (NM_007292.6); short protein forms L66F, L104F.
Identifiers: ClinVar variation 2133810 (VCV002133810.5), dbSNP rs2546083798, ClinGen allele CA401071790.

ClinVar aggregate classification (germline): Uncertain significance. Review status: criteria provided, single submitter (1 of 4 stars). 2 submissions from 2 submitters: Uncertain significance (1). 1 of the submissions does not count toward it. Last evaluated 2022-09-01.

Conditions:
Acyl-CoA oxidase deficiency. Also called: Peroxisomal acyl-CoA oxidase deficiency; STRAIGHT-CHAIN ACYL-CoA OXIDASE DEFICIENCY; Pseudoneonatal adrenoleukodystrophy. Identifiers: Orphanet 2971, MedGen C1849678, MONDO:0009919, OMIM 264470. Disease mechanism: loss of function.

Submissions (2):

Labcorp Genetics (formerly Invitae), Labcorp
Classification: Uncertain significance for Acyl-CoA oxidase deficiency. Last evaluated: 2022-09-01. Review status: criteria provided, single submitter. Criteria: Invitae Variant Classification Sherloc (09022015). Collection method: clinical testing. Allele origin: germline.
Comment: This sequence change replaces leucine, which is neutral and non-polar, with phenylalanine, which is neutral and non-polar, at codon 104 of the ACOX1 protein (p.Leu104Phe). In summary, the available evidence is currently insufficient to determine the role of this variant in disease. Therefore, it has been classified as a Variant of Uncertain Significance. Algorithms developed to predict the effect of missense changes on protein structure and function (SIFT, PolyPhen-2, Align-GVGD) all suggest that this variant is likely to be tolerated. This variant has not been reported in the literature in individuals affected with ACOX1-related conditions. This variant is not present in population databases (gnomAD no frequency).

Natera, Inc.
Classification: Uncertain significance for Peroxisomal acyl-CoA oxidase deficiency. Last evaluated: 2025-01-06. Review status: no assertion criteria provided. Collection method: clinical testing. Allele origin: germline. Not counted in ClinVar's aggregate classification.